The following is an entry in ClinVar:

ClinVar aggregate classification (germline): Pathogenic. Review status: reviewed by expert panel (3 of 4 stars). 2 submissions from 2 submitters: Pathogenic (1). 1 of the submissions does not count toward it. Last evaluated 2016-09-08.

Conditions:
Breast-ovarian cancer, familial, susceptibility to, 1 (BROVCA1). Also called: BRCA1 Hereditary Breast and Ovarian Cancer; OVARIAN CANCER, SUSCEPTIBILITY TO. Identifiers: Orphanet 145, MedGen C2676676, MONDO:0011450, OMIM 604370. Disease mechanism: loss of function.

Submissions (2):

Evidence-based Network for the Interpretation of Germline Mutant Alleles (ENIGMA)
Classification: Pathogenic for Breast-ovarian cancer, familial, susceptibility to, 1. Last evaluated: 2016-09-08. Review status: reviewed by expert panel. Criteria: ENIGMA BRCA1/2 Classification Criteria (2015). Collection method: curation. Allele origin: germline.
Comment: Variant allele predicted to encode a truncated non-functional protein.

Sharing Clinical Reports Project (SCRP)
Classification: Pathogenic for Breast-ovarian cancer, familial 1. Last evaluated: 2008-11-05. Review status: no assertion criteria provided. Collection method: clinical testing. Allele origin: germline. Not counted in ClinVar's aggregate classification.

NM_007294.4(BRCA1):c.3759del (p.Lys1254fs)

Genes: BRCA1 (BRCA1 DNA repair associated; minus strand), LOC126862571 (BRD4-independent group 4 enhancer GRCh37_chr17:41243136-41244335; plus strand). Cytogenetic location: 17q21.31.
Variant type: Deletion.
Coding change: c.3759del on transcript NM_007294.4 (MANE Select); coding-DNA position 3759, one base deleted (T; older notation c.3759delT).
Protein change: p.Lys1254fs; shifts the reading frame from lysine 1254.
Molecular consequence: frameshift variant. On other transcripts: intron variant (135).
Genome position (GRCh38, 1-based): chr17:43,091,772, A deleted on the plus strand (T on the coding strand, the reverse complement: BRCA1 is on the minus strand). VCF-style (leftmost placement, unchanged base first): chr17-43091771-TA-T. GRCh37 (hg19) VCF-style: chr17-41243788-TA-T.
Other names: 3878delT; c.3546del, p.Lys1183fs (NM_001407571.1, NM_001407853.1, NM_001407894.1 and 9 more transcripts); c.3759del, p.Lys1254fs (NM_001407581.1, NM_001407582.1, NM_001407583.1 and 30 more transcripts); c.3756del, p.Lys1253fs (NM_001407587.1, NM_001407590.1, NM_001407591.1 and 22 more transcripts); c.3750del, p.Lys1251fs (NM_001407646.1, NM_001407647.1); c.3636del, p.Lys1213fs (NM_001407648.1, NM_001407664.1, NM_001407665.1 and 19 more transcripts); c.3633del, p.Lys1212fs (NM_001407649.1, NM_001407670.1, NM_001407671.1 and 11 more transcripts); c.3681del, p.Lys1228fs (NM_001407653.1, NM_001407654.1, NM_001407655.1 and 4 more transcripts); and 42 more; short protein forms K1254fs, K1207fs, K1126fs, K1143fs, K1183fs, K1127fs, K1187fs, K1228fs.
Identifiers: ClinVar variation 96915 (VCV000096915.3), dbSNP rs431825398, ClinGen allele CA002412.